The following is an entry in ClinVar:

ClinVar aggregate classification (germline): Uncertain significance (1 of 4 stars; one submission).

gnomAD v4.1: 2 of 1,614,080 alleles (0.00012%); highest among the groups gnomAD compares: Non-Finnish European, 0.00017%; no homozygotes.

Submission:

Women's Health and Genetics/Laboratory Corporation of America, LabCorp
Classification: Uncertain significance. Last evaluated: 2023-08-01. Review status: criteria provided, single submitter. Criteria: LabCorp Variant Classification Summary - May 2015. Collection method: clinical testing. Allele origin: germline.
Comment: Variant summary: EIF2AK3 c.3194G>A (p.Arg1065Gln) results in a conservative amino acid change in the encoded protein sequence. Four of five in-silico tools predict a damaging effect of the variant on protein function. The variant was absent in 251308 control chromosomes (gnomAD). The available data on variant occurrences in the general population are insufficient to allow any conclusion about variant significance. c.3194G>A has been reported in the literature in individuals affected with Neonatal Diabetes Mellitus (Nayak_2021). This report does not provide unequivocal conclusions about association of the variant with Wolcott-Rallison dysplasia. To our knowledge, no experimental evidence demonstrating an impact on protein function has been reported. The following publication have been ascertained in the context of this evaluation (PMID: 33409956). No submitters have cited clinical-significance assessments for this variant to ClinVar after 2014. Based on the evidence outlined above, the variant was classified as uncertain significance.

Literature cited by the submitters: PubMed 33409956.

NM_004836.7(EIF2AK3):c.3194G>A (p.Arg1065Gln)

Genes: EIF2AK3 (eukaryotic translation initiation factor 2 alpha kinase 3; minus strand), EIF2AK3-AS1 (EIF2AK3 antisense RNA 1; plus strand). Cytogenetic location: 2p11.2.
Variant type: single nucleotide variant.
Coding change: c.3194G>A on transcript NM_004836.7 (MANE Select); coding-DNA position 3194, G replaced by A.
Protein change: p.Arg1065Gln; replaces arginine 1065 with glutamine.
Molecular consequence: missense variant.
Genome position (GRCh38, 1-based): chr2:88,557,893, C>T on the plus strand (G>A on the coding strand, the complement: EIF2AK3 is on the minus strand). VCF-style: chr2-88557893-C-T. GRCh37 (hg19) VCF-style: chr2-88857411-C-T.
Other names: c.2741G>A, p.Arg914Gln (NM_001313915.2); short protein forms R1065Q, R914Q.
Identifiers: ClinVar variation 2581529 (VCV002581529.1), dbSNP rs1332444284, ClinGen allele CA347583971.